The following is an entry in ClinVar:

ClinVar aggregate classification (germline): Uncertain significance (1 of 4 stars; one submission).

Submission:

GeneDx
Classification: Uncertain significance. Last evaluated: 2025-03-06. Review status: criteria provided, single submitter. Criteria: GeneDx Variant Classification Process June 2021. Collection method: clinical testing. Allele origin: germline. Affected: yes.
Comment: Not observed at significant frequency in large population cohorts (gnomAD); In silico analysis indicates that this missense variant does not alter protein structure/function; Has not been previously published as pathogenic or benign to our knowledge

NM_001008537.3(NEXMIF):c.674T>C (p.Ile225Thr)

Gene: NEXMIF (neurite extension and migration factor; minus strand). Cytogenetic location: Xq13.3.
Variant type: single nucleotide variant.
Coding change: c.674T>C on transcript NM_001008537.3 (MANE Select); coding-DNA position 674, T replaced by C.
Protein change: p.Ile225Thr; replaces isoleucine 225 with threonine.
Molecular consequence: missense variant.
Genome position (GRCh38, 1-based): chrX:74,743,883, A>G on the plus strand (T>C on the coding strand, the complement: NEXMIF is on the minus strand). VCF-style: chrX-74743883-A-G. GRCh37 (hg19) VCF-style: chrX-73963718-A-G.
Other names: short protein forms I225T.
Identifiers: ClinVar variation 4082559 (VCV004082559.1).